The following is an entry in ClinVar:

NM_003383.5(VLDLR):c.944-5T>C

Gene: VLDLR (very low density lipoprotein receptor; plus strand). Cytogenetic location: 9p24.2.
Variant type: single nucleotide variant.
Coding change: c.944-5T>C on transcript NM_003383.5 (MANE Select); 5 bases into the intron before coding-DNA position 944, T replaced by C.
Molecular consequence: intron variant.
Genome position (GRCh38, 1-based): chr9:2,643,832, T>C. VCF-style: chr9-2643832-T-C. GRCh37 (hg19) VCF-style: chr9-2643832-T-C.
Other names: p.?; c.944-5T>C (NM_001018056.3); c.821-5T>C (NM_001322225.2, NM_001322226.2).
Identifiers: ClinVar variation 130715 (VCV000130715.22), dbSNP rs35782329, ClinGen allele CA155930.

ClinVar aggregate classification (germline): Benign/Likely benign. Review status: criteria provided, multiple submitters, no conflicts (2 of 4 stars). 6 submissions from 6 submitters: Benign (3); Likely benign (2). 1 of the submissions does not count toward it. Last evaluated 2026-02-02.

Conditions:
Cerebellar ataxia, impaired intellectual development, and dysequilibrium syndrome 1. Also called: CEREBELLAR ATAXIA AND MENTAL RETARDATION WITH OR WITHOUT QUADRUPEDAL LOCOMOTION 1; CEREBELLAR ATAXIA, CONGENITAL, AND MENTAL RETARDATION, AUTOSOMAL RECESSIVE; VLDLR Cerebellar Hypoplasia; Cerebellar hypoplasia and mental retardation with or without quadrupedal locomotion 1; Cerebellar ataxia, intellectual disability, and dysequilibrium syndrome 1; Cerebellar ataxia, mental retardation, and dysequilibrium syndrome 1. Identifiers: Orphanet 1766, MedGen C4551552, MONDO:0024542, OMIM 224050.

Allele frequency attached by ClinVar (database versions not stated): gnomAD exomes 0.00293 and 0.00809; ExAC 0.00976; gnomAD 0.02900 and 0.03136; 1000 Genomes Project 0.02975; 1000 Genomes Project 30x 0.03217; TOPMed 0.03365; ESP Exome Variant Server 0.03568.
gnomAD v4.1: 8,883 of 1,614,170 alleles (0.55%); highest among the groups gnomAD compares: African/African-American, 10%; 446 homozygotes.

Submissions (6):

Labcorp Genetics (formerly Invitae), Labcorp
Classification: Benign. Last evaluated: 2026-02-02. Review status: criteria provided, single submitter. Criteria: Invitae Variant Classification Sherloc (09022015). Collection method: clinical testing. Allele origin: germline.

Mayo Clinic Laboratories, Mayo Clinic
Classification: Benign. Last evaluated: 2024-07-20. Review status: criteria provided, single submitter. Criteria: ACMG Guidelines, 2015. Collection method: clinical testing. Allele origin: germline. Observed: 14 variant alleles.

Illumina Laboratory Services, Illumina
Classification: Likely benign for Cerebellar ataxia, impaired intellectual development, and dysequilibrium syndrome 1. Last evaluated: 2017-04-27. Review status: criteria provided, single submitter. Criteria: ICSL Variant Classification Criteria 13 December 2019. Collection method: clinical testing. Allele origin: germline.
Comment: This variant was observed as part of a predisposition screen in an ostensibly healthy population. A literature search was performed for the gene, cDNA change, and amino acid change (where applicable). No publications were found based on this search. Allele frequency data from public databases allowed determination this variant is unlikely to cause disease. Therefore, this variant is classified as likely benign.

GeneDx
Classification: Benign. Last evaluated: 2015-03-03. Review status: criteria provided, single submitter. Criteria: GeneDx Variant Classification Process June 2021. Collection method: clinical testing. Allele origin: germline. Affected: yes.

Breakthrough Genomics
Classification: Likely benign. Review status: criteria provided, single submitter. Criteria: ACMG Guidelines, 2015. Collection method: not provided. Allele origin: germline. Inheritance: Autosomal recessive inheritance. Affected: yes.

Genetic Services Laboratory, University of Chicago
Classification: Likely benign for AllHighlyPenetrant. Review status: no assertion criteria provided. Collection method: clinical testing. Allele origin: germline. Inheritance: Autosomal recessive inheritance. Not counted in ClinVar's aggregate classification.
Comment: Likely benign based on allele frequency in 1000 Genomes Project or ESP global frequency and its presence in a patient with a rare or unrelated disease phenotype. NOT Sanger confirmed.